The following is an entry in ClinVar:

ClinVar aggregate classification (germline): Uncertain significance. Review status: criteria provided, multiple submitters, no conflicts (2 of 4 stars). 2 submissions from 2 submitters: Uncertain significance (2). Last evaluated 2024-12-02.

Conditions:
LAMA2-related muscular dystrophy (LAMA2-RD). Also called: Laminin alpha 2-related dystrophy. Identifiers: MedGen C5679788, MONDO:0100228.

Allele frequency attached by ClinVar (database versions not stated): gnomAD 0.00001; gnomAD exomes 0.00001; TOPMed 0.00001; ExAC 0.00002.
gnomAD v4.1: 13 of 1,613,076 alleles (0.00081%); highest among the groups gnomAD compares: East Asian, 0.0045%; no homozygotes.

Submissions (2):

Labcorp Genetics (formerly Invitae), Labcorp
Classification: Uncertain significance for LAMA2-related muscular dystrophy. Last evaluated: 2024-12-02. Review status: criteria provided, single submitter. Criteria: Invitae Variant Classification Sherloc (09022015). Collection method: clinical testing. Allele origin: germline.
Comment: This sequence change replaces lysine, which is basic and polar, with glutamic acid, which is acidic and polar, at codon 798 of the LAMA2 protein (p.Lys798Glu). This variant is present in population databases (rs755581747, gnomAD 0.005%). This variant has not been reported in the literature in individuals affected with LAMA2-related conditions. ClinVar contains an entry for this variant (Variation ID: 1466871). Invitae Evidence Modeling of protein sequence and biophysical properties (such as structural, functional, and spatial information, amino acid conservation, physicochemical variation, residue mobility, and thermodynamic stability) indicates that this missense variant is not expected to disrupt LAMA2 protein function with a negative predictive value of 95%. In summary, the available evidence is currently insufficient to determine the role of this variant in disease. Therefore, it has been classified as a Variant of Uncertain Significance.

GeneDx
Classification: Uncertain significance. Last evaluated: 2022-06-21. Review status: criteria provided, single submitter. Criteria: GeneDx Variant Classification Process June 2021. Collection method: clinical testing. Allele origin: germline. Affected: yes.
Comment: Not observed at significant frequency in large population cohorts (gnomAD); In silico analysis supports that this missense variant does not alter protein structure/function; Has not been previously published as pathogenic or benign to our knowledge

NM_000426.4(LAMA2):c.2392A>G (p.Lys798Glu)

Gene: LAMA2 (laminin subunit alpha 2; plus strand). Cytogenetic location: 6q22.33.
Variant type: single nucleotide variant.
Coding change: c.2392A>G on transcript NM_000426.4 (MANE Select); coding-DNA position 2392, A replaced by G.
Protein change: p.Lys798Glu; replaces lysine 798 with glutamic acid.
Molecular consequence: missense variant.
Genome position (GRCh38, 1-based): chr6:129,270,693, A>G. VCF-style: chr6-129270693-A-G. GRCh37 (hg19) VCF-style: chr6-129591838-A-G.
Other names: c.2392A>G, p.Lys798Glu (NM_001079823.2); short protein forms K798E.
Identifiers: ClinVar variation 1466871 (VCV001466871.6), dbSNP rs755581747, ClinGen allele CA3992923.